The following is an entry in ClinVar:

ClinVar aggregate classification (germline): Uncertain significance. Review status: criteria provided, multiple submitters, no conflicts (2 of 4 stars). 7 submissions from 7 submitters: Uncertain significance (7). Last evaluated 2026-08-26.

Conditions:
CEP164-related disorder. Also called: CEP164-related condition.
Inborn genetic diseases. Identifiers: MedGen C0950123, MeSH D030342.
Nephronophthisis 15 (NPHP15). Identifiers: Orphanet 3156, MedGen C3541853, MONDO:0013917, OMIM 614845.

Allele frequency attached by ClinVar (database versions not stated): gnomAD exomes 0.00004 and 0.00006; ExAC 0.00008; ESP Exome Variant Server 0.00015; gnomAD 0.00024 and 0.00025; TOPMed 0.00026.
gnomAD v4.1: 115 of 1,613,296 alleles (0.0071%); highest among the groups gnomAD compares: African/African-American, 0.11%; 1 homozygote.

Submissions (7):

PreventionGenetics, part of Exact Sciences
Classification: Uncertain significance for CEP164-related condition. Last evaluated: 2026-08-26. Review status: criteria provided, single submitter. Criteria: ACMG Guidelines, 2015. Collection method: clinical testing. Allele origin: germline.
Comment: The CEP164 c.2943G>C variant is predicted to result in the amino acid substitution p.Glu981Asp. To our knowledge, this variant has not been reported in the literature. This variant is reported in 0.076% of alleles in individuals of African descent in gnomAD, which may be too frequent to be a primary cause of disease. Although we suspect that this variant may be benign, at this time, the clinical significance of this variant is uncertain due to the absence of conclusive functional and genetic evidence.

Women's Health and Genetics/Laboratory Corporation of America, LabCorp
Classification: Uncertain significance. Last evaluated: 2026-06-05. Review status: criteria provided, single submitter. Criteria: LabCorp Variant Classification Summary - May 2015. Collection method: clinical testing. Allele origin: germline.
Comment: Variant summary: CEP164 c.2943G>C (p.Glu981Asp) results in a conservative amino acid change in the encoded protein sequence. Algorithms developed to predict the effect of missense changes on protein structure and function all suggest that this variant is likely to be tolerated. The variant allele was found at a frequency of 5.6e-05 in 250480 control chromosomes, predominantly at a frequency of 0.00074 within the African or African-American subpopulation in the gnomAD database. This frequency is not significantly higher than estimated for disease-causing variants in CEP164, allowing no conclusion about variant significance. To our knowledge, no occurrence of c.2943G>C in individuals affected with CEP164-related conditions and no experimental evidence demonstrating its impact on protein function have been reported. ClinVar contains an entry for this variant (Variation ID: 1017546). Based on the evidence outlined above, the variant was classified as uncertain significance.

GeneDx
Classification: Uncertain significance. Last evaluated: 2025-11-20. Review status: criteria provided, single submitter. Criteria: GeneDx Variant Classification Process June 2021. Collection method: clinical testing. Allele origin: germline.
Comment: In silico analysis suggests that this missense variant does not alter protein structure/function; This variant is associated with the following publications: (PMID: 24367280)

Labcorp Genetics (formerly Invitae), Labcorp
Classification: Uncertain significance for Nephronophthisis 15. Last evaluated: 2024-12-02. Review status: criteria provided, single submitter. Criteria: Invitae Variant Classification Sherloc (09022015). Collection method: clinical testing. Allele origin: germline.
Comment: This sequence change replaces glutamic acid, which is acidic and polar, with aspartic acid, which is acidic and polar, at codon 981 of the CEP164 protein (p.Glu981Asp). This variant is present in population databases (rs112958115, gnomAD 0.07%). This variant has not been reported in the literature in individuals affected with CEP164-related conditions. ClinVar contains an entry for this variant (Variation ID: 1017546). Invitae Evidence Modeling of protein sequence and biophysical properties (such as structural, functional, and spatial information, amino acid conservation, physicochemical variation, residue mobility, and thermodynamic stability) has been performed for this missense variant. However, the output from this modeling did not meet the statistical confidence thresholds required to predict the impact of this variant on CEP164 protein function. In summary, the available evidence is currently insufficient to determine the role of this variant in disease. Therefore, it has been classified as a Variant of Uncertain Significance.

Fulgent Genetics
Classification: Uncertain significance for Nephronophthisis 15. Last evaluated: 2024-01-14. Review status: criteria provided, single submitter. Criteria: ACMG Guidelines, 2015. Collection method: clinical testing. Allele origin: germline.

Ambry Genetics
Classification: Uncertain significance for Inborn genetic diseases. Last evaluated: 2021-07-14. Review status: criteria provided, single submitter. Criteria: Ambry Variant Classification Scheme 2023. Collection method: clinical testing. Allele origin: germline.

Blueprint Genetics
Classification: Uncertain significance. Last evaluated: 2020-01-14. Review status: criteria provided, single submitter. Criteria: ACMG Guidelines, 2015. Collection method: clinical testing. Allele origin: germline.

NM_014956.5(CEP164):c.2943G>C (p.Glu981Asp)

Gene: CEP164 (centrosomal protein 164; plus strand). Cytogenetic location: 11q23.3.
Variant type: single nucleotide variant.
Coding change: c.2943G>C on transcript NM_014956.5 (MANE Select); coding-DNA position 2943, G replaced by C.
Protein change: p.Glu981Asp; replaces glutamic acid 981 with aspartic acid.
Molecular consequence: missense variant.
Genome position (GRCh38, 1-based): chr11:117,395,576, G>C. VCF-style: chr11-117395576-G-C. GRCh37 (hg19) VCF-style: chr11-117266292-G-C.
Other names: c.2952G>C, p.Glu984Asp (NM_001271933.2); c.2943G>C (NM_014956.4); short protein forms E981D, E984D.
Identifiers: ClinVar variation 1017546 (VCV001017546.15), dbSNP rs112958115, ClinGen allele CA6295291.